The following is an entry in ClinVar:

ClinVar aggregate classification (germline): Likely pathogenic (1 of 4 stars; one submission).

Conditions:
Dilated cardiomyopathy 1G (CMD1G). Identifiers: Orphanet 154, MedGen C1858763, MONDO:0011400, OMIM 604145.
Autosomal recessive limb-girdle muscular dystrophy type 2J (LGMDR10). Also called: Limb-girdle muscular dystrophy, type 2J; MUSCULAR DYSTROPHY, LIMB-GIRDLE, AUTOSOMAL RECESSIVE 10. Identifiers: Orphanet 140922, MedGen C1837342, MONDO:0012127, OMIM 608807.

Submission:

Labcorp Genetics (formerly Invitae), Labcorp
Classification: Likely pathogenic for Dilated cardiomyopathy 1G; Autosomal recessive limb-girdle muscular dystrophy type 2J. Last evaluated: 2020-04-21. Review status: criteria provided, single submitter. Criteria: Invitae Variant Classification Sherloc (09022015). Collection method: clinical testing. Allele origin: germline.
Comment: This sequence change results in a premature translational stop signal in the TTN gene (p.Tyr26950*). While this is not anticipated to result in nonsense mediated decay, it is expected to create a truncated TTN protein. This variant is not present in population databases (ExAC no frequency). This variant has not been reported in the literature in individuals with TTN-related conditions. This variant is located in the A band of TTN (PMID: 25589632). Truncating variants in this region are significantly overrepresented in patients affected with dilated cardiomyopathy (PMID: 25589632). Truncating variants in this region have also been reported in individuals affected with autosomal recessive centronuclear myopathy (PMID: 23975875). In summary, the currently available evidence indicates that the variant is pathogenic, but additional data are needed to prove that conclusively. Therefore, this variant has been classified as Likely Pathogenic.

Literature cited by the submitters: PubMed 25589632; PubMed 23975875.

NM_001267550.2(TTN):c.80850C>A (p.Tyr26950Ter)

Genes: TTN-AS1 (TTN antisense RNA 1; plus strand), TTN (titin; minus strand). Cytogenetic location: 2q31.2.
Variant type: single nucleotide variant.
Coding change: c.80850C>A on transcript NM_001267550.2 (MANE Select); coding-DNA position 80850, C replaced by A.
Protein change: p.Tyr26950Ter; replaces tyrosine 26950 with a stop codon.
Molecular consequence: nonsense.
Genome position (GRCh38, 1-based): chr2:178,565,282, G>T on the plus strand (C>A on the coding strand, the complement: TTN is on the minus strand). VCF-style: chr2-178565282-G-T. GRCh37 (hg19) VCF-style: chr2-179430009-G-T.
Other names: c.75927C>A, p.Tyr25309Ter (NM_001256850.1); c.53655C>A, p.Tyr17885Ter (NM_003319.4); c.73146C>A, p.Tyr24382Ter (NM_133378.4); c.54030C>A, p.Tyr18010Ter (NM_133432.3); c.54231C>A, p.Tyr18077Ter (NM_133437.4); short protein forms Y17885*, Y18010*, Y18077*, Y24382*, Y25309*, Y26950*.
Identifiers: ClinVar variation 1067510 (VCV001067510.11), dbSNP rs794729291, ClinGen allele CA349585766.
Genomic context (GRCh38, chr2:178,565,282, plus strand): 5'-TAAAACGATAACACTGAGATTTTCTGTTGCTGTGCCTGCACTATTTGTTGCCGTTACGGT[G>T]TATTTTCCAAAGTCATCTTTGTTACCTTCTTTAATGTGCAAAACAGTTGAGGTAGCTGTT-3'